The following is an entry in ClinVar:

ClinVar aggregate classification (germline): Uncertain significance (1 of 4 stars; one submission).

Submission:

GeneDx
Classification: Uncertain significance. Last evaluated: 2026-02-12. Review status: criteria provided, single submitter. Criteria: GeneDx Variant Classification Process June 2021. Collection method: clinical testing. Allele origin: germline.
Comment: Not observed at significant frequency in large population cohorts (gnomAD); In silico analysis suggests that this missense variant does not alter protein structure/function; Has not been previously published as pathogenic or benign to our knowledge

NM_020822.3(KCNT1):c.148G>C (p.Ala50Pro)

Gene: KCNT1 (potassium sodium-activated channel subfamily T member 1; plus strand). Cytogenetic location: 9q34.3.
Variant type: single nucleotide variant.
Coding change: c.148G>C on transcript NM_020822.3 (MANE Select); coding-DNA position 148, G replaced by C.
Protein change: p.Ala50Pro; replaces alanine 50 with proline.
Molecular consequence: missense variant. On other transcripts: intron variant (1).
Genome position (GRCh38, 1-based): chr9:135,714,614, G>C. VCF-style: chr9-135714614-G-C. GRCh37 (hg19) VCF-style: chr9-138606460-G-C.
Other names: c.110+12246G>C (NM_001272003.2); short protein forms A50P.
Identifiers: ClinVar variation 4888045 (VCV004888045.1).